The following is an entry in ClinVar:

ClinVar aggregate classification (germline): Uncertain significance (1 of 4 stars; one submission).

Conditions:
Inborn genetic diseases. Identifiers: MedGen C0950123, MeSH D030342.

gnomAD v4.1: 1 of 1,614,108 alleles (0.000062%); highest among the groups gnomAD compares: Non-Finnish European, 0.000085%; no homozygotes.

Submission:

Ambry Genetics
Classification: Uncertain significance for Inborn genetic diseases. Last evaluated: 2025-12-18. Review status: criteria provided, single submitter. Criteria: Ambry Variant Classification Scheme 2023. Collection method: clinical testing. Allele origin: germline.
Comment: The p.R359S variant (also known as c.1077G>C), located in coding exon 9 of the PAX5 gene, results from a G to C substitution at nucleotide position 1077. The arginine at codon 359 is replaced by serine, an amino acid with dissimilar properties. This amino acid position is conserved. In addition, this alteration is predicted to be deleterious by in silico analysis. Based on the available evidence, the clinical significance of this variant remains unclear.

NM_016734.3(PAX5):c.1077G>C (p.Arg359Ser)

Gene: PAX5 (paired box 5; minus strand). Cytogenetic location: 9p13.2.
Variant type: single nucleotide variant.
Coding change: c.1077G>C on transcript NM_016734.3 (MANE Select); coding-DNA position 1077, G replaced by C.
Protein change: p.Arg359Ser; replaces arginine 359 with serine.
Molecular consequence: missense variant. On other transcripts: non-coding transcript variant (2), intron variant (5).
Genome position (GRCh38, 1-based): chr9:36,846,865, C>G on the plus strand (G>C on the coding strand, the complement: PAX5 is on the minus strand). VCF-style: chr9-36846865-C-G. GRCh37 (hg19) VCF-style: chr9-36846862-C-G.
Other names: c.753G>C, p.Arg251Ser (NM_001280556.2); c.587-6229G>C (NM_001280551.2); c.884-6229G>C (NM_001280553.2); c.781-6229G>C (NM_001280550.2); c.911-6229G>C (NM_001280552.2); c.1013-6229G>C (NM_001280548.2); c.975G>C, p.Arg325Ser (NM_001280547.2); c.845G>C, p.Gly282Ala (NM_001280549.2); and 2 more; short protein forms G282A, R325S, R359S, R259S, R316S, R251S.
Identifiers: ClinVar variation 4843876 (VCV004843876.1).